The following is an entry in ClinVar:

ClinVar aggregate classification (germline): Uncertain significance (1 of 4 stars; one submission).

Conditions:
Hereditary cancer-predisposing syndrome. Also called: Tumor predisposition; Hereditary Cancer Syndrome; Hereditary neoplastic syndrome; Neoplastic Syndromes, Hereditary. Identifiers: Orphanet 140162, MedGen C0027672, MeSH D009386, MONDO:0015356.

Submission:

Ambry Genetics
Classification: Uncertain significance for Hereditary cancer-predisposing syndrome. Last evaluated: 2026-02-09. Review status: criteria provided, single submitter. Criteria: Ambry Variant Classification Scheme 2023. Collection method: clinical testing. Allele origin: germline.
Comment: The p.G73R variant (also known as c.217G>C), located in coding exon 3 of the SDHA gene, results from a G to C substitution at nucleotide position 217. The glycine at codon 73 is replaced by arginine, an amino acid with dissimilar properties. This amino acid position is highly conserved in available vertebrate species. In addition, this alteration is predicted to be deleterious by in silico analysis. Based on the available evidence, the clinical significance of this variant remains unclear.

NM_004168.4(SDHA):c.217G>C (p.Gly73Arg)

Gene: SDHA (succinate dehydrogenase complex flavoprotein subunit A; plus strand). Cytogenetic location: 5p15.33.
Variant type: single nucleotide variant.
Coding change: c.217G>C on transcript NM_004168.4 (MANE Select); coding-DNA position 217, G replaced by C.
Protein change: p.Gly73Arg; replaces glycine 73 with arginine.
Molecular consequence: missense variant.
Genome position (GRCh38, 1-based): chr5:224,426, G>C. VCF-style: chr5-224426-G-C. GRCh37 (hg19) VCF-style: chr5-224541-G-C.
Other names: c.217G>C, p.Gly73Arg (NM_001294332.2, NM_001330758.2); short protein forms G73R.
Identifiers: ClinVar variation 1787251 (VCV001787251.3), dbSNP rs2477286087, ClinGen allele CA359008506.